The following is an entry in ClinVar:

ClinVar aggregate classification (germline): Pathogenic. Review status: reviewed by expert panel (3 of 4 stars). 7 submissions from 7 submitters: Pathogenic (1). 6 of the submissions do not count toward it. Last evaluated 2016-09-08.

Conditions:
Hereditary cancer-predisposing syndrome. Also called: Tumor predisposition; Neoplastic Syndromes, Hereditary; Hereditary Cancer Syndrome; Hereditary neoplastic syndrome. Identifiers: Orphanet 140162, MedGen C0027672, MeSH D009386, MONDO:0015356.
Hereditary breast ovarian cancer syndrome. Also called: Hereditary breast and ovarian cancer syndrome (HBOC); Hereditary breast and ovarian cancer syndrome; Hereditary breast and ovarian cancer; Hereditary breast and/or ovarian cancer syndrome; Breast and ovarian cancer; BRCA1- and BRCA2-Associated Hereditary Breast and Ovarian Cancer. Identifiers: Orphanet 145, MedGen C0677776, MeSH D061325, MONDO:0003582. Disease mechanism: loss of function.
Breast-ovarian cancer, familial, susceptibility to, 1 (BROVCA1). Also called: OVARIAN CANCER, SUSCEPTIBILITY TO; BRCA1 Hereditary Breast and Ovarian Cancer. Identifiers: Orphanet 145, MedGen C2676676, MONDO:0011450, OMIM 604370. Disease mechanism: loss of function.

Allele frequency attached by ClinVar (database versions not stated): gnomAD exomes below 0.00001.
gnomAD v4.1: 1 of 1,614,022 alleles (0.000062%); highest among the groups gnomAD compares: East Asian, 0.0022%; no homozygotes.

Submissions (7):

Evidence-based Network for the Interpretation of Germline Mutant Alleles (ENIGMA)
Classification: Pathogenic for Breast-ovarian cancer, familial, susceptibility to, 1. Last evaluated: 2016-09-08. Review status: reviewed by expert panel. Criteria: ENIGMA BRCA1/2 Classification Criteria (2015). Collection method: curation. Allele origin: germline.
Comment: Variant allele predicted to encode a truncated non-functional protein.

GeneDx
Classification: Pathogenic. Last evaluated: 2026-03-03. Review status: criteria provided, single submitter. Criteria: GeneDx Variant Classification Process June 2021. Collection method: clinical testing. Allele origin: germline. Not counted in ClinVar's aggregate classification.
Comment: Nonsense variant predicted to result in protein truncation or nonsense mediated decay in a gene for which loss of function is a known mechanism of disease; Observed in individuals with breast and/or ovarian cancer (PMID: 22752604, 23593081, 26848529, 35693198); Not observed at significant frequency in large population cohorts (gnomAD); Truncating variants in this gene are considered pathogenic by a well-established clinical consortium and/or database; Also known as 2394C>T; This variant is associated with the following publications: (PMID: 36367610, 26848529, 31825140, 23593081, 30702160, 22752604, Sharma-Oates2018[Review], 27535533)

Ambry Genetics
Classification: Pathogenic for Hereditary cancer-predisposing syndrome. Last evaluated: 2024-10-10. Review status: criteria provided, single submitter. Criteria: Ambry Variant Classification Scheme 2023. Collection method: clinical testing. Allele origin: germline. Not counted in ClinVar's aggregate classification.
Comment: The p.Q759* pathogenic mutation (also known as c.2275C>T), located in coding exon 9 of the BRCA1 gene, results from a C to T substitution at nucleotide position 2275. This changes the amino acid from a glutamine to a stop codon within coding exon 9. This alteration has been reported in individuals diagnosed with breast cancer (Juwle A et al. Med Oncol, 2012 Dec;29:3272-81; Bhaskaran SP et al. Int J Cancer, 2019 08;145:962-973). This alteration is expected to result in loss of function by premature protein truncation or nonsense-mediated mRNA decay. As such, this alteration is interpreted as a disease-causing mutation.

Women's Health and Genetics/Laboratory Corporation of America, LabCorp
Classification: Pathogenic for Hereditary breast ovarian cancer syndrome. Last evaluated: 2024-05-29. Review status: criteria provided, single submitter. Criteria: LabCorp Variant Classification Summary - May 2015. Collection method: clinical testing. Allele origin: germline. Not counted in ClinVar's aggregate classification.
Comment: Variant summary: BRCA1 c.2275C>T (p.Gln759X) results in a premature termination codon, predicted to cause absence of the protein due to nonsense mediated decay, which is a commonly known mechanism for disease. The variant allele was found at a frequency of 4e-06 in 251178 control chromosomes. c.2275C>T has been reported in the literature in at-least one individual affected with Breast Cancer (example, Juwle_2012). To our knowledge, no experimental evidence demonstrating an impact on protein function has been reported. The following publication has been ascertained in the context of this evaluation (PMID: 22752604). ClinVar contains an entry for this variant (Variation ID: 54519). Based on the evidence outlined above, the variant was classified as pathogenic.

Department of Clinical Genetics, Copenhagen University Hospital, Rigshospitalet
Classification: Pathogenic for Breast-ovarian cancer, familial, susceptibility to, 1. Last evaluated: 2024-05-27. Review status: criteria provided, single submitter. Criteria: ACMG Guidelines, 2015. Collection method: clinical testing. Allele origin: germline. Affected: yes. Not counted in ClinVar's aggregate classification.
Comment: PVS1; PM5_PTC_Strong

Labcorp Genetics (formerly Invitae), Labcorp
Classification: Pathogenic for Hereditary breast ovarian cancer syndrome. Last evaluated: 2023-04-23. Review status: criteria provided, single submitter. Criteria: Invitae Variant Classification Sherloc (09022015). Collection method: clinical testing. Allele origin: germline. Not counted in ClinVar's aggregate classification.
Comment: For these reasons, this variant has been classified as Pathogenic. ClinVar contains an entry for this variant (Variation ID: 54519). This variant is also known as 2394C>T. This premature translational stop signal has been observed in individual(s) with hereditary breast and/or ovarian cancer and early onset breast cancer (PMID: 22752604, 26848529). The frequency data for this variant in the population databases is considered unreliable, as metrics indicate poor data quality at this position in the gnomAD database. This sequence change creates a premature translational stop signal (p.Gln759*) in the BRCA1 gene. It is expected to result in an absent or disrupted protein product. Loss-of-function variants in BRCA1 are known to be pathogenic (PMID: 20104584).

Breast Cancer Information Core (BIC) (BRCA1)
Classification: Pathogenic for Breast-ovarian cancer, familial 1. Last evaluated: 2004-02-20. Review status: no assertion criteria provided. Collection method: clinical testing. Allele origin: germline. Affected: yes. Observed: 1 variant allele. Not counted in ClinVar's aggregate classification.

Literature cited by the submitters: PubMed 22752604 (cited by 3 submitters); PubMed 30702160 (cited by Ambry Genetics); PubMed 26848529 (cited by Labcorp Genetics (formerly Invitae), Labcorp); PubMed 20104584 (cited by Labcorp Genetics (formerly Invitae), Labcorp).

NM_007294.4(BRCA1):c.2275C>T (p.Gln759Ter)

Gene: BRCA1 (BRCA1 DNA repair associated; minus strand). Cytogenetic location: 17q21.31.
Variant type: single nucleotide variant.
Coding change: c.2275C>T on transcript NM_007294.4 (MANE Select); coding-DNA position 2275, C replaced by T.
Protein change: p.Gln759Ter; replaces glutamine 759 with a stop codon.
Molecular consequence: nonsense. On other transcripts: intron variant (137).
Genome position (GRCh38, 1-based): chr17:43,093,256, G>A on the plus strand (C>T on the coding strand, the complement: BRCA1 is on the minus strand). VCF-style: chr17-43093256-G-A. GRCh37 (hg19) VCF-style: chr17-41245273-G-A.
Other names: c.2062C>T, p.Gln688Ter (NM_001407571.1, NM_001407853.1, NM_001407894.1 and 9 more transcripts); c.2275C>T, p.Gln759Ter (NM_001407581.1, NM_001407582.1, NM_001407583.1 and 30 more transcripts); c.2272C>T, p.Gln758Ter (NM_001407587.1, NM_001407590.1, NM_001407591.1 and 22 more transcripts); c.2266C>T, p.Gln756Ter (NM_001407646.1, NM_001407647.1); c.2152C>T, p.Gln718Ter (NM_001407648.1, NM_001407664.1, NM_001407665.1 and 19 more transcripts); c.2149C>T, p.Gln717Ter (NM_001407649.1, NM_001407670.1, NM_001407671.1 and 11 more transcripts); c.2197C>T, p.Gln733Ter (NM_001407653.1, NM_001407654.1, NM_001407655.1 and 4 more transcripts); c.2194C>T, p.Gln732Ter (NM_001407659.1, NM_001407660.1, NM_001407661.1 and 1 more transcripts); and 41 more; short protein forms Q759*, Q712*, Q631*, Q688*, Q689*, Q711*, Q756*, Q648*.
Identifiers: ClinVar variation 54519 (VCV000054519.19), dbSNP rs80356999, ClinGen allele CA001519.